The following is an entry in ClinVar:

ClinVar aggregate classification (germline): Uncertain significance (1 of 4 stars; one submission).

Conditions:
Autosomal recessive nonsyndromic hearing loss 16. Also called: DEAFNESS, AUTOSOMAL RECESSIVE 16; DFNB16 Nonsyndromic Hearing Loss and Deafness. Identifiers: Orphanet 90636, MedGen C1863561, MONDO:0011364, OMIM 603720.

Submission:

Institute of Medical Genetics and Applied Genomics, University Hospital Tübingen
Classification: Uncertain significance for Autosomal recessive nonsyndromic hearing loss 16. Last evaluated: 2026-05-04. Review status: criteria provided, single submitter. Criteria: ACMG Guidelines, 2015. Collection method: clinical testing. Allele origin: germline. Inheritance: Autosomal recessive inheritance. Affected: yes.
Comment: compund heterozygous with class 4 frameshift

NM_153700.2(STRC):c.1021C>T (p.Arg341Cys)

Gene: STRC (stereocilin; minus strand). Cytogenetic location: 15q15.3.
Variant type: single nucleotide variant.
Coding change: c.1021C>T on transcript NM_153700.2 (MANE Select); coding-DNA position 1021, C replaced by T.
Protein change: p.Arg341Cys; replaces arginine 341 with cysteine.
Molecular consequence: missense variant.
Genome position (GRCh38, 1-based): chr15:43,616,545, G>A on the plus strand (C>T on the coding strand, the complement: STRC is on the minus strand). VCF-style: chr15-43616545-G-A. GRCh37 (hg19) VCF-style: chr15-43908743-G-A.
Other names: short protein forms R341C.
Identifiers: ClinVar variation 4849532 (VCV004849532.1).